The following is an entry in ClinVar:

NM_001457.4(FLNB):c.4575C>T (p.Pro1525=)

Gene: FLNB (filamin B; plus strand). Cytogenetic location: 3p14.3.
Variant type: single nucleotide variant.
Coding change: c.4575C>T on transcript NM_001457.4 (MANE Select); coding-DNA position 4575, C replaced by T.
Protein change: p.Pro1525=; no amino-acid change (proline 1525 retained).
Molecular consequence: synonymous variant.
Genome position (GRCh38, 1-based): chr3:58,134,676, C>T. VCF-style: chr3-58134676-C-T. GRCh37 (hg19) VCF-style: chr3-58120403-C-T.
Other names: c.4575C>T (NM_001457.3); c.4668C>T, p.Pro1556= (NM_001164317.2); c.4575C>T, p.Pro1525= (NM_001164318.2, NM_001164319.2).
Identifiers: ClinVar variation 2158112 (VCV002158112.11), dbSNP rs374902997, ClinGen allele CA2468822.

ClinVar aggregate classification (germline): Likely benign. Review status: criteria provided, multiple submitters, no conflicts (2 of 4 stars). 3 submissions from 3 submitters: Likely benign (2). 1 of the submissions does not count toward it. Last evaluated 2026-01-12.

Conditions:
FLNB-related disorder. Also called: FLNB-related condition; FLNB-related disorders. Identifiers: MedGen CN381095.

Allele frequency attached by ClinVar (database versions not stated): gnomAD exomes 0.00005; ESP Exome Variant Server 0.00008; ExAC 0.00012.
gnomAD v4.1: 79 of 1,614,156 alleles (0.0049%); highest among the groups gnomAD compares: East Asian, 0.045%; no homozygotes.

Submissions (3):

Labcorp Genetics (formerly Invitae), Labcorp
Classification: Likely benign. Last evaluated: 2026-01-12. Review status: criteria provided, single submitter. Criteria: Invitae Variant Classification Sherloc (09022015). Collection method: clinical testing. Allele origin: germline.

CeGaT Center for Human Genetics Tuebingen
Classification: Likely benign. Last evaluated: 2025-12-01. Review status: criteria provided, single submitter. Criteria: CeGaT Center For Human Genetics Tuebingen Variant Classification Criteria Version 2. Collection method: clinical testing. Allele origin: germline. Affected: yes. Observed: 1 variant allele.
Comment: FLNB: BP4, BP7

PreventionGenetics, part of Exact Sciences
Classification: Likely benign for FLNB-related condition. Last evaluated: 2020-12-29. Review status: no assertion criteria provided. Collection method: clinical testing. Allele origin: germline. Not counted in ClinVar's aggregate classification.
Comment: This variant is classified as likely benign based on ACMG/AMP sequence variant interpretation guidelines (Richards et al. 2015 PMID: 25741868, with internal and published modifications).